The following is an entry in ClinVar:

NM_007294.4(BRCA1):c.5332+21C>T

Gene: BRCA1 (BRCA1 DNA repair associated; minus strand). Cytogenetic location: 17q21.31.
Variant type: single nucleotide variant.
Coding change: c.5332+21C>T on transcript NM_007294.4 (MANE Select); 21 bases into the intron after coding-DNA position 5332, C replaced by T.
Molecular consequence: intron variant.
Genome position (GRCh38, 1-based): chr17:43,051,042, G>A on the plus strand (C>T on the coding strand, the complement: BRCA1 is on the minus strand). VCF-style: chr17-43051042-G-A. GRCh37 (hg19) VCF-style: chr17-41203059-G-A.
Other names: c.5332+21C>T (NM_001407603.1, NM_001407854.1, NM_001407598.1 and 6 more transcripts); c.1888+21C>T (NM_001408451.1); c.5119+21C>T (NM_001407898.1, NM_001407894.1, NM_001407909.1 and 12 more transcripts); c.5122+21C>T (NM_001407881.1, NM_001407887.1, NM_001407889.1 and 5 more transcripts); c.5065+21C>T (NM_001407932.1, NM_001407928.1, NM_001407929.1 and 4 more transcripts); c.1879+21C>T (NM_001408464.1, NM_001408467.1, NM_001408459.1 and 7 more transcripts); c.5188+21C>T (NM_001407742.1, NM_001407945.1, NM_001407736.1 and 21 more transcripts); c.1759+21C>T (NM_001408498.1, NM_001408501.1, NM_001408500.1 and 3 more transcripts); and 74 more.
Identifiers: ClinVar variation 868010 (VCV000868010.3), dbSNP rs1187854390, ClinGen allele CA916080954.

Conditions:
Breast-ovarian cancer, familial, susceptibility to, 1 (BROVCA1). Also called: BRCA1 Hereditary Breast and Ovarian Cancer; OVARIAN CANCER, SUSCEPTIBILITY TO. Identifiers: Orphanet 145, MedGen C2676676, MONDO:0011450, OMIM 604370. Disease mechanism: loss of function.

Submission:

Brotman Baty Institute, University of Washington
No classification provided (evidence only). Condition: Breast-ovarian cancer, familial 1. Review status: no classification provided. Collection method: in vitro. Allele origin: not applicable. Functional consequence: functionally_normal.
ClinVar note: "not provided" was previously submitted as the classification for the variant. However, the classification appeared to be based only on an observation of functional data so it was converted to no classification on 2025-07-30.